The following is an entry in ClinVar:

NM_001042492.3(NF1):c.6148-18A>G

Gene: NF1 (neurofibromin 1; plus strand). Cytogenetic location: 17q11.2.
Variant type: single nucleotide variant.
Coding change: c.6148-18A>G on transcript NM_001042492.3 (MANE Select); 18 bases into the intron before coding-DNA position 6148, A replaced by G.
Molecular consequence: intron variant.
Genome position (GRCh38, 1-based): chr17:31,336,617, A>G. VCF-style: chr17-31336617-A-G. GRCh37 (hg19) VCF-style: chr17-29663635-A-G.
Other names: c.6085-18A>G (NM_000267.4).
Identifiers: ClinVar variation 3237859 (VCV003237859.2), dbSNP rs544123874.

ClinVar aggregate classification (germline): Likely pathogenic (1 of 4 stars; one submission).

Conditions:
Hereditary cancer-predisposing syndrome. Also called: Neoplastic Syndromes, Hereditary; Tumor predisposition; Hereditary neoplastic syndrome; Hereditary Cancer Syndrome. Identifiers: Orphanet 140162, MedGen C0027672, MeSH D009386, MONDO:0015356.
Cardiovascular phenotype. Identifiers: MedGen CN230736.

Submission:

Ambry Genetics
Classification: Likely pathogenic for Cardiovascular phenotype; Hereditary cancer-predisposing syndrome. Last evaluated: 2024-08-09. Review status: criteria provided, single submitter. Criteria: Ambry Variant Classification Scheme 2023. Collection method: clinical testing. Allele origin: germline.
Comment: The c.6085-18A>G intronic variant results from an A to G substitution 18 nucleotides upstream from coding exon 41 in the NF1 gene. This nucleotide position is well conserved in available vertebrate species. In silico splice site analysis for this alteration is inconclusive. RNA studies have demonstrated that this alteration results in abnormal splicing in the set of samples tested (Ambry internal data). This variant is considered to be rare based on population cohorts in the Genome Aggregation Database (gnomAD). Based on the majority of available evidence to date, this variant is likely to be pathogenic.